The following is an entry in ClinVar:

NM_015512.5(DNAH1):c.7435C>T (p.Arg2479Ter)

Gene: DNAH1 (dynein axonemal heavy chain 1; plus strand). Cytogenetic location: 3p21.1.
Variant type: single nucleotide variant.
Coding change: c.7435C>T on transcript NM_015512.5 (MANE Select); coding-DNA position 7435, C replaced by T.
Protein change: p.Arg2479Ter; replaces arginine 2479 with a stop codon.
Molecular consequence: nonsense.
Genome position (GRCh38, 1-based): chr3:52,379,962, C>T. VCF-style: chr3-52379962-C-T. GRCh37 (hg19) VCF-style: chr3-52413978-C-T.
Other names: c.7435C>T (NM_015512.4); short protein forms R2479*.
Identifiers: ClinVar variation 2146566 (VCV002146566.3), dbSNP rs1268065530, ClinGen allele CA353177879.

ClinVar aggregate classification (germline): Pathogenic/Likely pathogenic. Review status: criteria provided, multiple submitters, no conflicts (2 of 4 stars). 3 submissions from 3 submitters: Pathogenic (1); Likely pathogenic (2). Last evaluated 2024-12-15.

Conditions:
DNAH1-related disorders.
Spermatogenic failure 18. Identifiers: MedGen C4539783, MONDO:0054615, OMIM 617576.
Ciliary dyskinesia, primary, 37 (CILD37). Also called: CILIARY DYSKINESIA, PRIMARY, 37, WITH OR WITHOUT SITUS INVERSUS. Identifiers: MedGen C4539798, MONDO:0033204, OMIM 617577.
DNAH1-related disorder. Also called: DNAH1-related condition.

Allele frequency attached by ClinVar (database versions not stated): gnomAD 0.00001; TOPMed 0.00002.
gnomAD v4.1: 23 of 1,583,504 alleles (0.0015%); highest among the groups gnomAD compares: Admixed American, 0.022%; no homozygotes.

Submissions (3):

PreventionGenetics, part of Exact Sciences
Classification: Likely pathogenic for DNAH1-related condition. Last evaluated: 2024-12-15. Review status: criteria provided, single submitter. Criteria: ACMG Guidelines, 2015. Collection method: clinical testing. Allele origin: germline.
Comment: The DNAH1 c.7435C>T variant is predicted to result in premature protein termination (p.Arg2479*). To our knowledge, this variant has not been reported in the literature. This variant is reported in 0.0063% of alleles in individuals of East Asian descent in gnomAD. Nonsense variants in DNAH1 are expected to be pathogenic. This variant is interpreted as likely pathogenic.

Blueprint Genetics
Classification: Likely pathogenic for DNAH1-related disorders. Last evaluated: 2023-10-18. Review status: criteria provided, single submitter. Criteria: ACMG Guidelines, 2015. Collection method: clinical testing. Allele origin: germline. Affected: yes. Observed: 2 variant alleles.

Labcorp Genetics (formerly Invitae), Labcorp
Classification: Pathogenic for Ciliary dyskinesia, primary, 37; Spermatogenic failure 18. Last evaluated: 2022-08-10. Review status: criteria provided, single submitter. Criteria: Invitae Variant Classification Sherloc (09022015). Collection method: clinical testing. Allele origin: germline.
Comment: This sequence change creates a premature translational stop signal (p.Arg2479*) in the DNAH1 gene. It is expected to result in an absent or disrupted protein product. Loss-of-function variants in DNAH1 are known to be pathogenic (PMID: 27573432, 27798045). The frequency data for this variant in the population databases is considered unreliable, as metrics indicate poor data quality at this position in the gnomAD database. This variant has not been reported in the literature in individuals affected with DNAH1-related conditions. For these reasons, this variant has been classified as Pathogenic.

Literature cited by the submitters: PubMed 27573432 (cited by Labcorp Genetics (formerly Invitae), Labcorp); PubMed 27798045 (cited by Labcorp Genetics (formerly Invitae), Labcorp).